The following is an entry in ClinVar:

ClinVar aggregate classification (germline): Likely benign. Review status: criteria provided, multiple submitters, no conflicts (2 of 4 stars). 2 submissions from 2 submitters: Likely benign (2). Last evaluated 2025-12-05.

gnomAD v4.1: 9 of 1,538,536 alleles (0.00058%); highest among the groups gnomAD compares: Non-Finnish European, 0.00081%; no homozygotes.

Submissions (2):

Women's Health and Genetics/Laboratory Corporation of America, LabCorp
Classification: Likely benign. Last evaluated: 2025-12-05. Review status: criteria provided, single submitter. Criteria: LabCorp Variant Classification Summary - May 2015. Collection method: clinical testing. Allele origin: germline.
Comment: Variant summary: OPA1 c.1771-11A>C alters a conserved nucleotide located at a position not widely known to affect splicing. Consensus agreement among computation tools predict no significant impact on normal splicing. However, these predictions have yet to be confirmed by functional studies. The variant was absent in 250646 control chromosomes. The available data on variant occurrences in the general population are insufficient to allow any conclusion about variant significance. To our knowledge, no occurrence of c.1771-11A>C in individuals affected with OPA1-related conditions and no experimental evidence demonstrating its impact on protein function have been reported. No submitters have cited clinical-significance assessments for this variant to ClinVar. Based on the evidence outlined above, the variant was classified as likely benign.

Blueprint Genetics
Classification: Likely benign. Last evaluated: 2024-05-28. Review status: criteria provided, single submitter. Criteria: ACMG Guidelines, 2015. Collection method: clinical testing. Allele origin: germline.

NM_130837.3(OPA1):c.1936-11A>C

Gene: OPA1 (OPA1 mitochondrial dynamin like GTPase; plus strand). Cytogenetic location: 3q29.
Variant type: single nucleotide variant.
Coding change: c.1936-11A>C on transcript NM_130837.3 (MANE Select); 11 bases into the intron before coding-DNA position 1936, A replaced by C.
Molecular consequence: intron variant.
Genome position (GRCh38, 1-based): chr3:193,648,784, A>C. VCF-style: chr3-193648784-A-C. GRCh37 (hg19) VCF-style: chr3-193366573-A-C.
Other names: c.1399-11A>C (NM_001354664.2); c.1402-11A>C (NM_001354663.2); c.1825-11A>C (NM_130834.3); c.1882-11A>C (NM_130836.3); c.1771-11A>C (NM_015560.3); c.1828-11A>C (NM_130835.3); c.1717-11A>C (NM_130832.3); c.1774-11A>C (NM_130833.3); and 1 more.
Identifiers: ClinVar variation 4688550 (VCV004688550.2).
Genomic context (GRCh38, chr3:193,648,784, plus strand): 5'-CTCTGAAAATCATGACAGGGTAAATTTACTGTCTTATGGAAATCTTACTTACTTGTATTT[A>C]TATTGCCTAGAATGAACTATTTGAAAAAGCTAAAAATGAAATCCTTGATGAAGTTATCAG-3'